The following is an entry in ClinVar:

NM_130468.4(CHST14):c.131T>C (p.Met44Thr)

Genes: CHST14 (carbohydrate sulfotransferase 14; plus strand), LOC130056851 (ATAC-STARR-seq lymphoblastoid silent region 6336; plus strand). Cytogenetic location: 15q15.1.
Variant type: single nucleotide variant.
Coding change: c.131T>C on transcript NM_130468.4 (MANE Select); coding-DNA position 131, T replaced by C.
Protein change: p.Met44Thr; replaces methionine 44 with threonine.
Molecular consequence: missense variant.
Genome position (GRCh38, 1-based): chr15:40,471,344, T>C. VCF-style: chr15-40471344-T-C. GRCh37 (hg19) VCF-style: chr15-40763543-T-C.
Other names: short protein forms M44T.
Identifiers: ClinVar variation 4537125 (VCV004537125.1).
Genomic context (GRCh38, chr15:40,471,344, plus strand): 5'-GGGCCCCTCTGGGCAGGGCCCGGGCGGGGCTGGGTGGGCCGCCCCTGCTGCTGCCGTCCA[T>C]GCTGATGTTTGCGGTGATCGTGGCCTCCAGCGGGCTGCTGCTCATGATCGAGCGGGGCAT-3'
Protein context (NP_569735.1, residues 34-54): LGGPPLLLPS[Met44Thr]LMFAVIVASS

ClinVar aggregate classification (germline): Uncertain significance (1 of 4 stars; one submission).

gnomAD v4.1: 2 of 1,549,104 alleles (0.00013%); highest among the groups gnomAD compares: East Asian, 0.0048%; no homozygotes.

Submission:

Women's Health and Genetics/Laboratory Corporation of America, LabCorp
Classification: Uncertain significance. Last evaluated: 2025-11-03. Review status: criteria provided, single submitter. Criteria: LabCorp Variant Classification Summary - May 2015. Collection method: clinical testing. Allele origin: germline.
Comment: Variant summary: CHST14 c.131T>C (p.Met44Thr) results in a non-conservative amino acid change in the encoded protein sequence. Algorithms developed to predict the effect of missense changes on protein structure and function are either unavailable or do not agree on the potential impact of this missense change. The variant allele was found at a frequency of 6.6e-06 in 151438 control chromosomes. The available data on variant occurrences in the general population are insufficient to allow any conclusion about variant significance. To our knowledge, no occurrence of c.131T>C in individuals affected with CHST14-related conditions and no experimental evidence demonstrating its impact on protein function have been reported. No submitters have cited clinical-significance assessments for this variant to ClinVar. Based on the evidence outlined above, the variant was classified as uncertain significance.